The following is an entry in ClinVar:

ClinVar aggregate classification (germline): Likely benign. Review status: criteria provided, multiple submitters, no conflicts (2 of 4 stars). 2 submissions from 2 submitters: Likely benign (2). Last evaluated 2018-06-14.

Allele frequency attached by ClinVar (database versions not stated): 1000 Genomes Project 30x 0.01546; gnomAD exomes 0.02398; gnomAD 0.02728 and 0.02747; TOPMed 0.02748.
gnomAD v4.1: 4,269 of 157,960 alleles (2.7%); highest among the groups gnomAD compares: Middle Eastern, 4.4%; 101 homozygotes.

Submissions (2):

GeneDx
Classification: Likely benign. Last evaluated: 2018-06-14. Review status: criteria provided, single submitter. Criteria: GeneDx Variant Classification (06012015). Collection method: clinical testing. Allele origin: germline. Affected: yes.
Comment: This variant is considered likely benign or benign based on one or more of the following criteria: it is a conservative change, it occurs at a poorly conserved position in the protein, it is predicted to be benign by multiple in silico algorithms, and/or has population frequency not consistent with disease.

Breakthrough Genomics
Classification: Likely benign. Review status: criteria provided, single submitter. Criteria: ACMG Guidelines, 2015. Collection method: not provided. Allele origin: germline. Inheritance: Autosomal dominant inheritance. Affected: yes.

NM_005654.6(NR2F1):c.-187G>A

Genes: NR2F1 (nuclear receptor subfamily 2 group F member 1; plus strand), NR2F1-AS1 (NR2F1 regulatory antisense RNA 1; minus strand). Cytogenetic location: 5q15.
Variant type: single nucleotide variant.
Coding change: c.-187G>A on transcript NM_005654.6 (MANE Select); 187 bases upstream of the start codon, G replaced by A.
Molecular consequence: 5 prime UTR variant.
Genome position (GRCh38, 1-based): chr5:93,584,837, G>A. VCF-style: chr5-93584837-G-A. GRCh37 (hg19) VCF-style: chr5-92920543-G-A.
Identifiers: ClinVar variation 676347 (VCV000676347.2), dbSNP rs866080178, ClinGen allele CA123266226.